The following is an entry in ClinVar:

ClinVar aggregate classification (germline): Pathogenic. Review status: criteria provided, single submitter (1 of 4 stars). 2 submissions from 2 submitters: Pathogenic (1). 1 of the submissions does not count toward it. Last evaluated 2025-10-10.

Conditions:
LRP5-related disorder. Also called: LRP5-related condition.
Osteoporosis with pseudoglioma (OPPG). Also called: osteoporosis-pseudoglioma syndrome. Identifiers: Orphanet 2788, MedGen C0432252, MONDO:0009820, OMIM 259770.

Submissions (2):

PreventionGenetics, part of Exact Sciences
Classification: Pathogenic for LRP5-related condition. Last evaluated: 2025-10-10. Review status: criteria provided, single submitter. Criteria: ACMG Guidelines, 2015. Collection method: clinical testing. Allele origin: germline.
Comment: The LRP5 c.1468delG variant is predicted to result in a frameshift and premature protein termination (p.Asp490Metfs*40). This variant has been reported in the homozygous state in individuals with osteoporosis-pseudoglioma syndrome (reported as 1467delG D490fs, Gong et al. 2001. PubMed ID: 11719191; reported as 1467delG L489fsX529, Ai et al. 2005. PubMed ID: 16252235). This is absent in a large population database (gnomAD), indicating it is rare. Frameshift variants in LRP5 are an established mechanism of disease. This variant is interpreted as pathogenic.

OMIM
Classification: Pathogenic for OSTEOPOROSIS-PSEUDOGLIOMA SYNDROME. Last evaluated: 2001-11-16. Review status: no assertion criteria provided. Collection method: literature only. Allele origin: germline. Not counted in ClinVar's aggregate classification.

Literature cited by the submitters: PubMed 11719191 (cited by OMIM).

NM_002335.4(LRP5):c.1468del (p.Asp490fs)

Gene: LRP5 (LDL receptor related protein 5; plus strand). Cytogenetic location: 11q13.2.
Variant type: Deletion.
Coding change: c.1468del on transcript NM_002335.4 (MANE Select); coding-DNA position 1468, one base deleted (G; older notation c.1468delG).
Protein change: p.Asp490fs; shifts the reading frame from aspartic acid 490.
Molecular consequence: frameshift variant. On other transcripts: intron variant (1).
Genome position (GRCh38, 1-based): chr11:68,389,936, G deleted; the last of 2 consecutive G bases (chr11:68,389,935-68,389,936); deleting either gives the same sequence. VCF-style (leftmost placement, unchanged base first): chr11-68389934-TG-T. GRCh37 (hg19) VCF-style: chr11-68157402-TG-T.
Other names: c.-354+3224del (NM_001291902.2); c.1468delG (NM_002335.3); short protein forms D490fs.
Identifiers: ClinVar variation 6270 (VCV000006270.2), dbSNP rs1554967141, ClinGen allele CA658683690.